The following is an entry in ClinVar:

ClinVar aggregate classification (germline): Benign. Review status: criteria provided, multiple submitters, no conflicts (2 of 4 stars). 3 submissions from 3 submitters: Benign (3). Last evaluated 2018-06-23.

Conditions:
Mitochondrial complex I deficiency, nuclear type 1. Also called: NADH-COENZYME Q REDUCTASE DEFICIENCY; MITOCHONDRIAL NADH DEHYDROGENASE COMPONENT OF COMPLEX I, DEFICIENCY OF. Identifiers: MedGen C6022305, MONDO:0100224, OMIM 252010.

Allele frequency attached by ClinVar (database versions not stated): gnomAD 0.68730 and 0.69212; gnomAD exomes 0.70330 and 0.72790; ExAC 0.74887; TOPMed 0.70403; 1000 Genomes Project 30x 0.73314; 1000 Genomes Project 0.72664.

Submissions (3):

GeneDx
Classification: Benign. Last evaluated: 2018-06-23. Review status: criteria provided, single submitter. Criteria: GeneDx Variant Classification Process June 2021. Collection method: clinical testing. Allele origin: germline. Affected: yes.

Illumina Laboratory Services, Illumina
Classification: Benign for Mitochondrial complex I deficiency, nuclear type 1. Last evaluated: 2018-01-13. Review status: criteria provided, single submitter. Criteria: ICSL Variant Classification Criteria 13 December 2019. Collection method: clinical testing. Allele origin: germline.
Comment: This variant was observed in the ICSL laboratory as part of a predisposition screen in an ostensibly healthy population. It had not been previously curated by ICSL or reported in the Human Gene Mutation Database (HGMD: prior to June 1st, 2018), and was therefore a candidate for classification through an automated scoring system. Utilizing variant allele frequency, disease prevalence and penetrance estimates, and inheritance mode, an automated score was calculated to assess if this variant is too frequent to cause the disease. Based on the score and internal cut-off values, a variant classified as benign is not then subjected to further curation. The score for this variant resulted in a classification of benign for this disease.

Breakthrough Genomics
Classification: Benign. Review status: criteria provided, single submitter. Criteria: ACMG Guidelines, 2015. Collection method: not provided. Allele origin: germline. Inheritance: Autosomal recessive inheritance. Affected: yes.

NM_175614.4(NDUFA11):c.-217A>G

Genes: NDUFA11 (NADH:ubiquinone oxidoreductase subunit A11; minus strand), LOC112552175 (Sharpr-MPRA regulatory region 9916; plus strand). Cytogenetic location: 19p13.3.
Variant type: single nucleotide variant.
Coding change: c.-217A>G on transcript NM_175614.4; 217 bases upstream of the start codon, A replaced by G.
Genome position (GRCh38, 1-based): chr19:5,903,925, T>C on the plus strand (A>G on the coding strand, the complement: NDUFA11 is on the minus strand). VCF-style: chr19-5903925-T-C. GRCh37 (hg19) VCF-style: chr19-5903936-T-C.
Identifiers: ClinVar variation 330244 (VCV000330244.9), dbSNP rs1056987, ClinGen allele CA9119086.
Genomic context (GRCh38, chr19:5,903,925, plus strand): 5'-TGGACATGGATCGCGCGCACGCGCCGGGGACCGGCCTGGAGGAAGAGAGTAGCACGTGCA[T>C]CCCCAGGCCGATTCCTAGAGGGTGAAACTGAGGACGACTGCGATCAGTGCAGACAGATTT-3'